The following is an entry in ClinVar:

NM_001903.5(CTNNA1):c.2417A>G (p.Glu806Gly)

Gene: CTNNA1 (catenin alpha 1; plus strand). Cytogenetic location: 5q31.2.
Variant type: single nucleotide variant.
Coding change: c.2417A>G on transcript NM_001903.5 (MANE Select); coding-DNA position 2417, A replaced by G.
Protein change: p.Glu806Gly; replaces glutamic acid 806 with glycine.
Molecular consequence: missense variant. On other transcripts: intron variant (1).
Genome position (GRCh38, 1-based): chr5:138,932,696, A>G. VCF-style: chr5-138932696-A-G. GRCh37 (hg19) VCF-style: chr5-138268385-A-G.
Other names: c.2417A>G, p.Glu806Gly (NM_001290307.3, NM_001323982.2, NM_001323983.1 and 2 more transcripts); c.2108A>G, p.Glu703Gly (NM_001290309.3); c.2048A>G, p.Glu683Gly (NM_001290310.3); c.1307A>G, p.Glu436Gly (NM_001290312.1, NM_001323987.1, NM_001323988.1 and 16 more transcripts); c.2324A>G, p.Glu775Gly (NM_001323986.2); c.968A>G, p.Glu323Gly (NM_001324006.1, NM_001324007.1, NM_001324008.1 and 2 more transcripts); c.1214A>G, p.Glu405Gly (NM_001324011.1); c.1064A>G, p.Glu355Gly (NM_001324012.1, NM_001324013.1); and 1 more; short protein forms E355G, E806G, E405G, E323G, E436G, E683G, E703G, E775G.
Identifiers: ClinVar variation 1790947 (VCV001790947.2), dbSNP rs1580930995, ClinGen allele CA361134541.

ClinVar aggregate classification (germline): Uncertain significance (1 of 4 stars; one submission).

Conditions:
Hereditary cancer-predisposing syndrome. Also called: Hereditary Cancer Syndrome; Hereditary neoplastic syndrome; Tumor predisposition; Neoplastic Syndromes, Hereditary. Identifiers: Orphanet 140162, MedGen C0027672, MeSH D009386, MONDO:0015356.

Submission:

Ambry Genetics
Classification: Uncertain significance for Hereditary cancer-predisposing syndrome. Last evaluated: 2022-02-12. Review status: criteria provided, single submitter. Criteria: Ambry Variant Classification Scheme 2023. Collection method: clinical testing. Allele origin: germline.
Comment: The p.E806G variant (also known as c.2417A>G), located in coding exon 16 of the CTNNA1 gene, results from an A to G substitution at nucleotide position 2417. The glutamic acid at codon 806 is replaced by glycine, an amino acid with similar properties. This amino acid position is conserved. In addition, the in silico prediction for this alteration is inconclusive. Since supporting evidence is limited at this time, the clinical significance of this alteration remains unclear.